The following is an entry in ClinVar:

NM_001393769.1(MED12L):c.790C>T (p.Pro264Ser)

Gene: MED12L (mediator complex subunit 12L; plus strand). Cytogenetic location: 3q25.1.
Variant type: single nucleotide variant.
Coding change: c.790C>T on transcript NM_001393769.1 (MANE Select); coding-DNA position 790, C replaced by T.
Protein change: p.Pro264Ser; replaces proline 264 with serine.
Molecular consequence: missense variant.
Genome position (GRCh38, 1-based): chr3:151,158,752, C>T. VCF-style: chr3-151158752-C-T. GRCh37 (hg19) VCF-style: chr3-150876539-C-T.
Other names: c.790C>T, p.Pro264Ser (NM_053002.6); short protein forms P264S.
Identifiers: ClinVar variation 2444776 (VCV002444776.2), dbSNP rs2530441168, ClinGen allele CA354960556.

ClinVar aggregate classification (germline): Uncertain significance (1 of 4 stars; one submission).

Submission:

GeneDx
Classification: Uncertain significance. Last evaluated: 2026-03-21. Review status: criteria provided, single submitter. Criteria: GeneDx Variant Classification Process June 2021. Collection method: clinical testing. Allele origin: germline.
Comment: Not observed at significant frequency in large population cohorts (gnomAD); In silico analysis supports that this missense variant has a deleterious effect on protein structure/function; Has not been previously published as pathogenic or benign to our knowledge